The following is an entry in ClinVar:

ClinVar aggregate classification (germline): Pathogenic. Review status: criteria provided, multiple submitters, no conflicts (2 of 4 stars). 4 submissions from 4 submitters: Pathogenic (3). 1 of the submissions does not count toward it. Last evaluated 2026-05-31.

Conditions:
NR1H4-related disorder. Also called: NR1H4-related condition.
Cholestasis, progressive familial intrahepatic, 5 (PFIC5). Identifiers: Orphanet 480476, MedGen C4310747, MONDO:0014884, OMIM 617049.
Progressive familial intrahepatic cholestasis type 1. Also called: Severe ATP8B1 Deficiency (Progressive Familial Intrahepatic Cholestasis Type 1 [PFIC1]); BYLER DISEASE; Byler's disease. Identifiers: Orphanet 79306, MedGen C4551898, MONDO:0008892, OMIM 211600.

gnomAD v4.1: 14 of 1,613,876 alleles (0.00087%); highest among the groups gnomAD compares: Admixed American, 0.01%; no homozygotes.

Submissions (4):

PreventionGenetics, part of Exact Sciences
Classification: Pathogenic for NR1H4-related condition. Last evaluated: 2026-05-31. Review status: criteria provided, single submitter. Criteria: ACMG Guidelines, 2015. Collection method: clinical testing. Allele origin: germline.
Comment: The NR1H4 c.526C>T variant is predicted to result in premature protein termination (p.Arg176*). This variant has been reported in the homozygous state in two siblings with progressive familial intrahepatic cholestasis (Gomez-Ospina et al. 2016. PubMed ID: 26888176). This variant has also been reported in the homozygous state in an unrelated individual with progressive familial intrahepatic cholestasis and in the heterozygous state in an individual with idiopathic infantile cholestasis in whom a second potentially pathogenic variant was not identified (Himes et al. 2020. PubMed ID: 32443034; Chen et al. 2012. PubMed ID: 21633855). Nonsense variants in NR1H4 are expected to be pathogenic. This variant is interpreted as pathogenic.

Labcorp Genetics (formerly Invitae), Labcorp
Classification: Pathogenic. Last evaluated: 2022-08-06. Review status: criteria provided, single submitter. Criteria: Invitae Variant Classification Sherloc (09022015). Collection method: clinical testing. Allele origin: germline.
Comment: ClinVar contains an entry for this variant (Variation ID: 219164). For these reasons, this variant has been classified as Pathogenic. Algorithms developed to predict the effect of sequence changes on RNA splicing suggest that this variant may disrupt the consensus splice site. This premature translational stop signal has been observed in individual(s) with progressive familial intrahepatic cholestasis (PMID: 26888176). This variant is present in population databases (rs113090017, gnomAD 0.02%). This sequence change creates a premature translational stop signal (p.Arg176*) in the NR1H4 gene. It is expected to result in an absent or disrupted protein product. Loss-of-function variants in NR1H4 are known to be pathogenic (PMID: 11030617, 26888176).

Baylor Genetics
Classification: Pathogenic for Progressive familial intrahepatic cholestasis. Last evaluated: 2015-12-17. Review status: criteria provided, single submitter. Criteria: Submitter's publication. Collection method: clinical testing. Allele origin: inherited. Inheritance: Autosomal recessive inheritance. Affected: yes. Observed: 1 variant allele, 1 homozygote.
Comment: This variant was found in homozygous status in two affected members from a Hispanic family.

OMIM
Classification: Pathogenic for CHOLESTASIS, PROGRESSIVE FAMILIAL INTRAHEPATIC, 5. Last evaluated: 2012-02-01. Review status: no assertion criteria provided. Collection method: literature only. Allele origin: germline. Not counted in ClinVar's aggregate classification.

Literature cited by the submitters: PubMed 26888176 (cited by Labcorp Genetics (formerly Invitae), Labcorp and OMIM); PubMed 11030617 (cited by Labcorp Genetics (formerly Invitae), Labcorp); PubMed 21633855 (cited by Baylor Genetics and OMIM).

NM_001206979.2(NR1H4):c.526C>T (p.Arg176Ter)

Gene: NR1H4 (nuclear receptor subfamily 1 group H member 4; plus strand). Cytogenetic location: 12q23.1.
Variant type: single nucleotide variant.
Coding change: c.526C>T on transcript NM_001206979.2 (MANE Select); coding-DNA position 526, C replaced by T.
Protein change: p.Arg176Ter; replaces arginine 176 with a stop codon.
Molecular consequence: nonsense. On other transcripts: non-coding transcript variant (1), intron variant (1).
Genome position (GRCh38, 1-based): chr12:100,532,538, C>T. VCF-style: chr12-100532538-C-T. GRCh37 (hg19) VCF-style: chr12-100926316-C-T.
Other names: c.526C>T, p.Arg176Ter (NM_001206977.2, NM_005123.4); c.556C>T, p.Arg186Ter (NM_001206992.2, NM_001206993.2); c.446-2352C>T (NM_001206978.2); short protein forms R176*, R186*.
Identifiers: ClinVar variation 219164 (VCV000219164.8), dbSNP rs113090017, ClinGen allele CA6739265.